The following is an entry in ClinVar:

NM_001018115.3(FANCD2):c.4106G>A (p.Cys1369Tyr)

Genes: FANCD2 (FA complementation group D2; plus strand), FANCD2OS (FANCD2 opposite strand; minus strand). Cytogenetic location: 3p25.3.
Variant type: single nucleotide variant.
Coding change: c.4106G>A on transcript NM_001018115.3 (MANE Select); coding-DNA position 4106, G replaced by A.
Protein change: p.Cys1369Tyr; replaces cysteine 1369 with tyrosine.
Molecular consequence: missense variant. On other transcripts: intron variant (1).
Genome position (GRCh38, 1-based): chr3:10,096,393, G>A. VCF-style: chr3-10096393-G-A. GRCh37 (hg19) VCF-style: chr3-10138077-G-A.
Other names: c.4106G>A, p.Cys1369Tyr (NM_001319984.2, NM_033084.6); c.3995G>A, p.Cys1332Tyr (NM_001374253.1); c.4067G>A, p.Cys1356Tyr (NM_001374254.1); c.*43+7805C>T (NM_173472.2); short protein forms C1332Y, C1356Y, C1369Y.
Identifiers: ClinVar variation 2098185 (VCV002098185.3), dbSNP rs758843847, ClinGen allele CA2250628.

ClinVar aggregate classification (germline): Uncertain significance. Review status: criteria provided, multiple submitters, no conflicts (2 of 4 stars). 2 submissions from 2 submitters: Uncertain significance (2). Last evaluated 2024-05-18.

Conditions:
Fanconi anemia complementation group D2. Also called: FANCD2-Related Fanconi Anemia; FANCONI PANCYTOPENIA, TYPE 4; FANCONI ANEMIA, COMPLEMENTATION GROUP D. Identifiers: Orphanet 84, MedGen C3160738, MONDO:0009214, OMIM 227646.
Fanconi anemia (FA). Also called: Fanconi's anemia. Identifiers: Orphanet 84, MedGen C0015625, MeSH D005199, MONDO:0019391.

Allele frequency attached by ClinVar (database versions not stated): ExAC 0.00002; gnomAD 0.00002; TOPMed 0.00001.
gnomAD v4.1: 16 of 1,613,932 alleles (0.00099%); highest among the groups gnomAD compares: Non-Finnish European, 0.0014%; no homozygotes.

Submissions (2):

Fulgent Genetics
Classification: Uncertain significance for Fanconi anemia complementation group D2. Last evaluated: 2024-05-18. Review status: criteria provided, single submitter. Criteria: ACMG Guidelines, 2015. Collection method: clinical testing. Allele origin: germline.

Labcorp Genetics (formerly Invitae), Labcorp
Classification: Uncertain significance for Fanconi anemia. Last evaluated: 2023-06-12. Review status: criteria provided, single submitter. Criteria: Invitae Variant Classification Sherloc (09022015). Collection method: clinical testing. Allele origin: germline.
Comment: In summary, the available evidence is currently insufficient to determine the role of this variant in disease. Therefore, it has been classified as a Variant of Uncertain Significance. Advanced modeling of protein sequence and biophysical properties (such as structural, functional, and spatial information, amino acid conservation, physicochemical variation, residue mobility, and thermodynamic stability) performed at Invitae indicates that this missense variant is not expected to disrupt FANCD2 protein function. ClinVar contains an entry for this variant (Variation ID: 2098185). This variant has not been reported in the literature in individuals affected with FANCD2-related conditions. This variant is present in population databases (rs758843847, gnomAD 0.002%). This sequence change replaces cysteine, which is neutral and slightly polar, with tyrosine, which is neutral and polar, at codon 1369 of the FANCD2 protein (p.Cys1369Tyr).